The following is an entry in ClinVar:

ClinVar aggregate classification (germline): Uncertain significance (1 of 4 stars; one submission).

Conditions:
Rubinstein-Taybi syndrome due to EP300 haploinsufficiency. Also called: EP300-Related Rubinstein-Taybi Syndrome; RUBINSTEIN-TAYBI SYNDROME 2. Identifiers: Orphanet 353284, Orphanet 783, MedGen C3150941, MONDO:0013364, OMIM 613684.

Submission:

Labcorp Genetics (formerly Invitae), Labcorp
Classification: Uncertain significance for Rubinstein-Taybi syndrome due to EP300 haploinsufficiency. Last evaluated: 2024-06-04. Review status: criteria provided, single submitter. Criteria: Invitae Variant Classification Sherloc (09022015). Collection method: clinical testing. Allele origin: germline.
Comment: This sequence change replaces methionine, which is neutral and non-polar, with isoleucine, which is neutral and non-polar, at codon 978 of the EP300 protein (p.Met978Ile). This variant is not present in population databases (gnomAD no frequency). This variant has not been reported in the literature in individuals affected with EP300-related conditions. Advanced modeling of protein sequence and biophysical properties (such as structural, functional, and spatial information, amino acid conservation, physicochemical variation, residue mobility, and thermodynamic stability) performed at Invitae indicates that this missense variant is not expected to disrupt EP300 protein function with a negative predictive value of 80%. In summary, the available evidence is currently insufficient to determine the role of this variant in disease. Therefore, it has been classified as a Variant of Uncertain Significance.

NM_001429.4(EP300):c.2934G>C (p.Met978Ile)

Genes: EP300 (EP300 lysine acetyltransferase; plus strand), LOC126863158 (BRD4-independent group 4 enhancer GRCh37_chr22:41547383-41548582; plus strand). Cytogenetic location: 22q13.2.
Variant type: single nucleotide variant.
Coding change: c.2934G>C on transcript NM_001429.4 (MANE Select); coding-DNA position 2934, G replaced by C.
Protein change: p.Met978Ile; replaces methionine 978 with isoleucine.
Molecular consequence: missense variant.
Genome position (GRCh38, 1-based): chr22:41,151,949, G>C. VCF-style: chr22-41151949-G-C. GRCh37 (hg19) VCF-style: chr22-41547953-G-C.
Other names: c.2856G>C, p.Met952Ile (NM_001362843.2); short protein forms M952I, M978I.
Identifiers: ClinVar variation 3655550 (VCV003655550.2).